The following is an entry in ClinVar:

ClinVar aggregate classification (germline): Likely benign (0 of 4 stars; one submission).

Conditions:
PIWIL1-related disorder. Also called: PIWIL1-related condition.

Allele frequency attached by ClinVar (database versions not stated): TOPMed 0.00042; ESP Exome Variant Server 0.00054; gnomAD 0.00080; gnomAD exomes 0.00128; ExAC 0.00223; 1000 Genomes Project 30x 0.00250; 1000 Genomes Project 0.00300.

Submission:

PreventionGenetics, part of Exact Sciences
Classification: Likely benign for PIWIL1-related condition. Last evaluated: 2019-04-09. Review status: no assertion criteria provided. Collection method: clinical testing. Allele origin: germline.
Comment: This variant is classified as likely benign based on ACMG/AMP sequence variant interpretation guidelines (Richards et al. 2015 PMID: 25741868, with internal and published modifications).

NM_004764.5(PIWIL1):c.1255C>T (p.Arg419Cys)

Gene: PIWIL1 (piwi like RNA-mediated gene silencing 1; plus strand). Cytogenetic location: 12q24.33.
Variant type: single nucleotide variant.
Coding change: c.1255C>T on transcript NM_004764.5 (MANE Select); coding-DNA position 1255, C replaced by T.
Protein change: p.Arg419Cys; replaces arginine 419 with cysteine.
Molecular consequence: missense variant.
Genome position (GRCh38, 1-based): chr12:130,354,971, C>T. VCF-style: chr12-130354971-C-T. GRCh37 (hg19) VCF-style: chr12-130839516-C-T.
Other names: c.1255C>T, p.Arg419Cys (NM_001190971.2); short protein forms R419C.
Identifiers: ClinVar variation 3039067 (VCV003039067.2), dbSNP rs35540071, ClinGen allele CA6877203.